The following is an entry in ClinVar:

ClinVar aggregate classification (germline): Uncertain significance. Review status: criteria provided, multiple submitters, no conflicts (2 of 4 stars). 2 submissions from 2 submitters: Uncertain significance (2). Last evaluated 2023-10-25.

Conditions:
Familial adenomatous polyposis 2. Also called: Adenomas, multiple colorectal; MYH-associated polyposis; COLORECTAL ADENOMATOUS POLYPOSIS, AUTOSOMAL RECESSIVE; ADENOMAS, MULTIPLE COLORECTAL, AUTOSOMAL RECESSIVE; FAP type 2; MUTYH Polyposis. Identifiers: Orphanet 220460, Orphanet 247798, MedGen C3272841, MONDO:0012041, OMIM 608456.
Hereditary cancer-predisposing syndrome. Also called: Tumor predisposition; Neoplastic Syndromes, Hereditary; Hereditary Cancer Syndrome; Hereditary neoplastic syndrome. Identifiers: Orphanet 140162, MedGen C0027672, MeSH D009386, MONDO:0015356.

Submissions (2):

Ambry Genetics
Classification: Uncertain significance for Hereditary cancer-predisposing syndrome. Last evaluated: 2023-10-25. Review status: criteria provided, single submitter. Criteria: Ambry Variant Classification Scheme 2023. Collection method: clinical testing. Allele origin: germline.
Comment: The c.505-3C>T intronic variant results from a C to T substitution 3 nucleotides upstream from coding exon 7 in the MUTYH gene. This nucleotide position is well conserved in available vertebrate species. In silico splice site analysis predicts that this alteration will not have any significant effect on splicing. Since supporting evidence is limited at this time, the clinical significance of this alteration remains unclear.

Labcorp Genetics (formerly Invitae), Labcorp
Classification: Uncertain significance for Familial adenomatous polyposis 2. Last evaluated: 2021-03-02. Review status: criteria provided, single submitter. Criteria: Invitae Variant Classification Sherloc (09022015). Collection method: clinical testing. Allele origin: germline.
Comment: This sequence change falls in intron 6 of the MUTYH gene. It does not directly change the encoded amino acid sequence of the MUTYH protein. It affects a nucleotide within the consensus splice site of the intron. This variant is not present in population databases (ExAC no frequency). This variant has not been reported in the literature in individuals with MUTYH-related conditions. Nucleotide substitutions within the consensus splice site are a relatively common cause of aberrant splicing (PMID: 17576681, 9536098). Algorithms developed to predict the effect of sequence changes on RNA splicing suggest that this variant is not likely to affect RNA splicing, but this prediction has not been confirmed by published transcriptional studies. In summary, the available evidence is currently insufficient to determine the role of this variant in disease. Therefore, it has been classified as a Variant of Uncertain Significance.

Literature cited by the submitters: PubMed 17576681 (cited by Labcorp Genetics (formerly Invitae), Labcorp); PubMed 9536098 (cited by Labcorp Genetics (formerly Invitae), Labcorp).

NM_001048174.2(MUTYH):c.421-3C>T

Gene: MUTYH (mutY DNA glycosylase; minus strand). Cytogenetic location: 1p34.1.
Variant type: single nucleotide variant.
Coding change: c.421-3C>T on transcript NM_001048174.2 (MANE Select); 3 bases into the intron before coding-DNA position 421, C replaced by T.
Molecular consequence: intron variant.
Genome position (GRCh38, 1-based): chr1:45,332,837, G>A on the plus strand (C>T on the coding strand, the complement: MUTYH is on the minus strand). VCF-style: chr1-45332837-G-A. GRCh37 (hg19) VCF-style: chr1-45798509-G-A.
Other names: c.76-3C>T (NM_001350651.2, NM_001350650.2); c.145-3C>T (NM_001293192.2, NM_001293196.2); c.421-3C>T (NM_001048171.2, NM_001048173.2, NM_001293195.2); c.466-3C>T (NM_001293190.2); c.496-3C>T (NM_012222.3); c.505-3C>T (NM_001128425.2, NM_001128425.1); c.424-3C>T (NM_001048172.2); c.454-3C>T (NM_001293191.2).
Identifiers: ClinVar variation 1376586 (VCV001376586.7), dbSNP rs2149159013, ClinGen allele CA2573132086.